The following is an entry in ClinVar:

ClinVar aggregate classification (germline): Uncertain significance (1 of 4 stars; one submission).

Conditions:
Cutis laxa, autosomal dominant 3 (ADCL3). Identifiers: Orphanet 90348, MedGen C4225268, MONDO:0014706, OMIM 616603.
Autosomal dominant spastic paraplegia type 9. Identifiers: MedGen C1832669, MONDO:0015091.
de Barsy syndrome. Also called: Cutis laxa-corneal clouding-oligophrenia syndrome. Identifiers: Orphanet 2962, MedGen C0268354, MONDO:0017569.

gnomAD v4.1: 3 of 1,613,826 alleles (0.00019%); highest among the groups gnomAD compares: Non-Finnish European, 0.00025%; no homozygotes.

Submission:

Labcorp Genetics (formerly Invitae), Labcorp
Classification: Uncertain significance for Autosomal dominant spastic paraplegia type 9; de Barsy syndrome; Cutis laxa, autosomal dominant 3. Last evaluated: 2026-01-01. Review status: criteria provided, single submitter. Criteria: Invitae Variant Classification Sherloc (09022015). Collection method: clinical testing. Allele origin: germline.
Comment: This sequence change replaces glycine, which is neutral and non-polar, with glutamic acid, which is acidic and polar, at codon 85 of the ALDH18A1 protein (p.Gly85Glu). This variant is present in population databases (no rsID available, gnomAD 0.0009%). This variant has not been reported in the literature in individuals affected with ALDH18A1-related conditions. ClinVar contains an entry for this variant (Variation ID: 3756005). Invitae Evidence Modeling of protein sequence and biophysical properties (such as structural, functional, and spatial information, amino acid conservation, physicochemical variation, residue mobility, and thermodynamic stability) indicates that this missense variant is not expected to disrupt ALDH18A1 protein function with a negative predictive value of 95%. In summary, the available evidence is currently insufficient to determine the role of this variant in disease. Therefore, it has been classified as a Variant of Uncertain Significance.

NM_002860.4(ALDH18A1):c.254G>A (p.Gly85Glu)

Gene: ALDH18A1 (aldehyde dehydrogenase 18 family member A1; minus strand). Cytogenetic location: 10q24.1.
Variant type: single nucleotide variant.
Coding change: c.254G>A on transcript NM_002860.4 (MANE Select); coding-DNA position 254, G replaced by A.
Protein change: p.Gly85Glu; replaces glycine 85 with glutamic acid.
Molecular consequence: missense variant. On other transcripts: intron variant (4).
Genome position (GRCh38, 1-based): chr10:95,643,041, C>T on the plus strand (G>A on the coding strand, the complement: ALDH18A1 is on the minus strand). VCF-style: chr10-95643041-C-T. GRCh37 (hg19) VCF-style: chr10-97402798-C-T.
Other names: c.254G>A, p.Gly85Glu (NM_001017423.2, NM_001323417.2, NM_001323413.2 and 2 more transcripts); c.-78-9392G>A (NM_001323419.2); c.-30-5605G>A (NM_001323412.2, NM_001323418.2, NM_001323416.2); short protein forms G85E.
Identifiers: ClinVar variation 3756005 (VCV003756005.2).